The following is an entry in ClinVar:

ClinVar aggregate classification (germline): Uncertain significance (1 of 4 stars; one submission).

gnomAD v4.1: 2 of 1,613,966 alleles (0.00012%); highest among the groups gnomAD compares: Non-Finnish European, 0.00017%; no homozygotes.

Submission:

Labcorp Genetics (formerly Invitae), Labcorp
Classification: Uncertain significance. Last evaluated: 2022-04-30. Review status: criteria provided, single submitter. Criteria: Invitae Variant Classification Sherloc (09022015). Collection method: clinical testing. Allele origin: germline.
Comment: This sequence change replaces glycine, which is neutral and non-polar, with alanine, which is neutral and non-polar, at codon 1279 of the ADGRV1 protein (p.Gly1279Ala). This variant is not present in population databases (gnomAD no frequency). This variant has not been reported in the literature in individuals affected with ADGRV1-related conditions. Algorithms developed to predict the effect of missense changes on protein structure and function are either unavailable or do not agree on the potential impact of this missense change (SIFT: "Deleterious"; PolyPhen-2: "Benign"; Align-GVGD: "Class C0"). In summary, the available evidence is currently insufficient to determine the role of this variant in disease. Therefore, it has been classified as a Variant of Uncertain Significance.

NM_032119.4(ADGRV1):c.3836G>C (p.Gly1279Ala)

Gene: ADGRV1 (adhesion G protein-coupled receptor V1; plus strand). Cytogenetic location: 5q14.3.
Variant type: single nucleotide variant.
Coding change: c.3836G>C on transcript NM_032119.4 (MANE Select); coding-DNA position 3836, G replaced by C.
Protein change: p.Gly1279Ala; replaces glycine 1279 with alanine.
Molecular consequence: missense variant. On other transcripts: non-coding transcript variant (1).
Genome position (GRCh38, 1-based): chr5:90,653,410, G>C. VCF-style: chr5-90653410-G-C. GRCh37 (hg19) VCF-style: chr5-89949227-G-C.
Other names: short protein forms G1279A.
Identifiers: ClinVar variation 2106731 (VCV002106731.4), dbSNP rs2149466691, ClinGen allele CA360399249.